The following is an entry in ClinVar:

ClinVar aggregate classification (germline): Uncertain significance (1 of 4 stars; one submission).

Conditions:
Early-infantile DEE. Also called: Early infantile epileptic encephalopathy with suppression bursts; Early infantile epileptic encephalopathy; Ohtahara syndrome. Identifiers: Orphanet 1934, MedGen C0393706, MONDO:0800491.

Submission:

Labcorp Genetics (formerly Invitae), Labcorp
Classification: Uncertain significance for Early-infantile DEE. Last evaluated: 2022-11-03. Review status: criteria provided, single submitter. Criteria: Invitae Variant Classification Sherloc (09022015). Collection method: clinical testing. Allele origin: germline.
Comment: This sequence change replaces lysine, which is basic and polar, with asparagine, which is neutral and polar, at codon 845 of the KCNH5 protein (p.Lys845Asn). In summary, the available evidence is currently insufficient to determine the role of this variant in disease. Therefore, it has been classified as a Variant of Uncertain Significance. Advanced modeling of protein sequence and biophysical properties (such as structural, functional, and spatial information, amino acid conservation, physicochemical variation, residue mobility, and thermodynamic stability) performed at Invitae indicates that this missense variant is not expected to disrupt KCNH5 protein function. This variant has not been reported in the literature in individuals affected with KCNH5-related conditions. This variant is not present in population databases (gnomAD no frequency).

NM_139318.5(KCNH5):c.2535G>C (p.Lys845Asn)

Gene: KCNH5 (potassium voltage-gated channel subfamily H member 5; minus strand). Cytogenetic location: 14q23.2.
Variant type: single nucleotide variant.
Coding change: c.2535G>C on transcript NM_139318.5 (MANE Select); coding-DNA position 2535, G replaced by C.
Protein change: p.Lys845Asn; replaces lysine 845 with asparagine.
Molecular consequence: missense variant. On other transcripts: 3 prime UTR variant (1).
Genome position (GRCh38, 1-based): chr14:62,707,940, C>G on the plus strand (G>C on the coding strand, the complement: KCNH5 is on the minus strand). VCF-style: chr14-62707940-C-G. GRCh37 (hg19) VCF-style: chr14-63174658-C-G.
Other names: c.*502G>C (NM_172375.3); short protein forms K845N.
Identifiers: ClinVar variation 1718092 (VCV001718092.6), dbSNP rs1440535447, ClinGen allele CA390100391.